The following is an entry in ClinVar:

NM_001042492.3(NF1):c.3170C>A (p.Ala1057Glu)

Gene: NF1 (neurofibromin 1; plus strand). Cytogenetic location: 17q11.2.
Variant type: single nucleotide variant.
Coding change: c.3170C>A on transcript NM_001042492.3 (MANE Select); coding-DNA position 3170, C replaced by A.
Protein change: p.Ala1057Glu; replaces alanine 1057 with glutamic acid.
Molecular consequence: missense variant.
Genome position (GRCh38, 1-based): chr17:31,230,898, C>A. VCF-style: chr17-31230898-C-A. GRCh37 (hg19) VCF-style: chr17-29557916-C-A.
Other names: c.3170C>A, p.Ala1057Glu (NM_000267.4); short protein forms A1057E.
Identifiers: ClinVar variation 1519989 (VCV001519989.9), dbSNP rs2151432494, ClinGen allele CA398988151.

ClinVar aggregate classification (germline): Uncertain significance. Review status: criteria provided, multiple submitters, no conflicts (2 of 4 stars). 2 submissions from 2 submitters: Uncertain significance (2). Last evaluated 2025-11-11.

Conditions:
Neurofibromatosis, type 1 (NF1). Also called: VON RECKLINGHAUSEN DISEASE; Neurofibromatosis, type I; Peripheral type neurofibromatosis; NEUROFIBROMATOSIS, TYPE I, SOMATIC. Identifiers: Orphanet 636, MedGen C0027831, MONDO:0018975, OMIM 162200. Disease mechanism: loss of function.

Submissions (2):

Labcorp Genetics (formerly Invitae), Labcorp
Classification: Uncertain significance for Neurofibromatosis, type 1. Last evaluated: 2025-11-11. Review status: criteria provided, single submitter. Criteria: Invitae Variant Classification Sherloc (09022015). Collection method: clinical testing. Allele origin: germline.
Comment: This sequence change replaces alanine, which is neutral and non-polar, with glutamic acid, which is acidic and polar, at codon 1057 of the NF1 protein (p.Ala1057Glu). This variant is not present in population databases (gnomAD no frequency). This variant has not been reported in the literature in individuals affected with NF1-related conditions. ClinVar contains an entry for this variant (Variation ID: 1519989). Invitae Evidence Modeling of protein sequence and biophysical properties (such as structural, functional, and spatial information, amino acid conservation, physicochemical variation, residue mobility, and thermodynamic stability) indicates that this missense variant is not expected to disrupt NF1 protein function with a negative predictive value of 95%. In summary, the available evidence is currently insufficient to determine the role of this variant in disease. Therefore, it has been classified as a Variant of Uncertain Significance.

GeneDx
Classification: Uncertain significance. Last evaluated: 2024-03-15. Review status: criteria provided, single submitter. Criteria: GeneDx Variant Classification Process June 2021. Collection method: clinical testing. Allele origin: germline. Affected: yes.
Comment: Not observed at significant frequency in large population cohorts (gnomAD); In silico analysis supports that this missense variant has a deleterious effect on protein structure/function; Has not been previously published as pathogenic or benign to our knowledge; This variant is associated with the following publications: (PMID: 25486365, 2121369)